The following is an entry in ClinVar:

NM_001347721.2(DYRK1A):c.208-28G>A

Gene: DYRK1A (dual specificity tyrosine phosphorylation regulated kinase 1A; plus strand). Cytogenetic location: 21q22.13.
Variant type: single nucleotide variant.
Coding change: c.208-28G>A on transcript NM_001347721.2 (MANE Select); 28 bases into the intron before coding-DNA position 208, G replaced by A.
Molecular consequence: intron variant. On other transcripts: splice acceptor variant (3).
Genome position (GRCh38, 1-based): chr21:37,478,180, G>A. VCF-style: chr21-37478180-G-A. GRCh37 (hg19) VCF-style: chr21-38850482-G-A.
Other names: c.208-28G>A (NM_001347722.2, NM_130436.2); c.121-28G>A (NM_001347723.2); c.208-1G>A (NM_101395.2, NM_130438.2, NM_001396.5 and 1 more transcripts).
Identifiers: ClinVar variation 218379 (VCV000218379.21), dbSNP rs552103257, ClinGen allele CA347820.

ClinVar aggregate classification (germline): Conflicting classifications of pathogenicity. Review status: criteria provided, conflicting classifications (1 of 4 stars). 5 submissions from 5 submitters: Uncertain significance (2); Likely benign (2). 1 of the submissions does not count toward it. Last evaluated 2024-12-23.

Conditions:
DYRK1A-related intellectual disability syndrome (MRD7). Also called: Intellectual developmental disorder, autosomal dominant 7; DYRK1A Syndrome. Identifiers: Orphanet 464306, MedGen C5568143, MONDO:0013578, OMIM 614104.

Allele frequency attached by ClinVar (database versions not stated): gnomAD exomes 0.00001; TOPMed 0.00003.
gnomAD v4.1: 22 of 1,613,640 alleles (0.0014%); highest among the groups gnomAD compares: Non-Finnish European, 0.0018%; no homozygotes.

Submissions (5):

Labcorp Genetics (formerly Invitae), Labcorp
Classification: Uncertain significance for DYRK1A-related intellectual disability syndrome. Last evaluated: 2024-12-23. Review status: criteria provided, single submitter. Criteria: Invitae Variant Classification Sherloc (09022015). Collection method: clinical testing. Allele origin: germline.
Comment: This sequence change affects an acceptor splice site in intron 2 of the DYRK1A gene. It is expected to disrupt RNA splicing. Variants that disrupt the donor or acceptor splice site typically lead to a loss of protein function (PMID: 16199547), and loss-of-function variants in DYRK1A are known to be pathogenic (PMID: 25944381). The frequency data for this variant in the population databases is considered unreliable, as metrics indicate poor data quality at this position in the gnomAD database. Disruption of this splice site has been observed in individual(s) with clinical features of DYRK1A-related conditions (PMID: 25707398, 36368308, 37506195). Disruption of this splice site has been observed in at least one individual who was not affected with DYRK1A-related conditions (PMID: 25707398). ClinVar contains an entry for this variant (Variation ID: 218379). Studies have shown that disruption of this splice site does not affect mRNA splicing (PMID: 25707398). In summary, the available evidence is currently insufficient to determine the role of this variant in disease. Therefore, it has been classified as a Variant of Uncertain Significance.

Revvity Omics, Revvity
Classification: Uncertain significance for DYRK1A-related intellectual disability syndrome. Last evaluated: 2021-09-08. Review status: criteria provided, single submitter. Criteria: ACMG Guidelines, 2015. Collection method: clinical testing. Allele origin: germline.

GeneDx
Classification: Likely benign. Last evaluated: 2019-02-13. Review status: criteria provided, single submitter. Criteria: GeneDx Variant Classification Process June 2021. Collection method: clinical testing. Allele origin: germline. Affected: yes.
Comment: This variant is associated with the following publications: (PMID: 25707398, 28263302)

Genetic Services Laboratory, University of Chicago
Classification: Likely benign. Last evaluated: 2017-04-12. Review status: criteria provided, single submitter. Criteria: ACMG Guidelines, 2015. Collection method: clinical testing. Allele origin: germline. Affected: no.

GeneReviews
No classification provided. Condition: DYRK1A-related intellectual disability syndrome. Review status: no classification provided. Collection method: literature only. Allele origin: germline. Affected: yes. Not counted in ClinVar's aggregate classification.

Literature cited by the submitters: PubMed 16199547 (cited by Labcorp Genetics (formerly Invitae), Labcorp); PubMed 25944381 (cited by Labcorp Genetics (formerly Invitae), Labcorp); PubMed 25707398 (cited by Labcorp Genetics (formerly Invitae), Labcorp); PubMed 36368308 (cited by Labcorp Genetics (formerly Invitae), Labcorp); PubMed 37506195 (cited by Labcorp Genetics (formerly Invitae), Labcorp); NCBI Bookshelf NBK333438 (cited by GeneReviews).